The following is an entry in ClinVar:

NM_014384.3(ACAD8):c.1147G>A (p.Ala383Thr)

Gene: ACAD8 (acyl-CoA dehydrogenase family member 8; plus strand). Cytogenetic location: 11q25.
Variant type: single nucleotide variant.
Coding change: c.1147G>A on transcript NM_014384.3 (MANE Select); coding-DNA position 1147, G replaced by A.
Protein change: p.Ala383Thr; replaces alanine 383 with threonine.
Molecular consequence: missense variant.
Genome position (GRCh38, 1-based): chr11:134,262,574, G>A. VCF-style: chr11-134262574-G-A. GRCh37 (hg19) VCF-style: chr11-134132468-G-A.
Other names: short protein forms A383T.
Identifiers: ClinVar variation 880204 (VCV000880204.10), dbSNP rs200234092, ClinGen allele CA6373241.

ClinVar aggregate classification (germline): Uncertain significance. Review status: criteria provided, multiple submitters, no conflicts (2 of 4 stars). 3 submissions from 3 submitters: Uncertain significance (3). Last evaluated 2025-05-05.

Conditions:
Deficiency of isobutyryl-CoA dehydrogenase. Also called: ACAD8 DEFICIENCY; ACYL-CoA DEHYDROGENASE FAMILY, MEMBER 8, DEFICIENCY OF; IBD DEFICIENCY. Identifiers: Orphanet 79159, MedGen C1969809, MONDO:0012648, OMIM 611283.
Inborn genetic diseases. Identifiers: MedGen C0950123, MeSH D030342.

Allele frequency attached by ClinVar (database versions not stated): ExAC 0.00002; gnomAD exomes 0.00003; gnomAD 0.00004; TOPMed 0.00004.

Submissions (3):

Ambry Genetics
Classification: Uncertain significance for Inborn genetic diseases. Last evaluated: 2025-05-05. Review status: criteria provided, single submitter. Criteria: Ambry Variant Classification Scheme 2023. Collection method: clinical testing. Allele origin: germline.

Labcorp Genetics (formerly Invitae), Labcorp
Classification: Uncertain significance for Deficiency of isobutyryl-CoA dehydrogenase. Last evaluated: 2022-02-01. Review status: criteria provided, single submitter. Criteria: Invitae Variant Classification Sherloc (09022015). Collection method: clinical testing. Allele origin: germline.
Comment: In summary, the available evidence is currently insufficient to determine the role of this variant in disease. Therefore, it has been classified as a Variant of Uncertain Significance. Advanced modeling of protein sequence and biophysical properties (such as structural, functional, and spatial information, amino acid conservation, physicochemical variation, residue mobility, and thermodynamic stability) performed at Invitae indicates that this missense variant is not expected to disrupt ACAD8 protein function. ClinVar contains an entry for this variant (Variation ID: 880204). This variant has not been reported in the literature in individuals affected with ACAD8-related conditions. This variant is present in population databases (rs200234092, gnomAD 0.02%). This sequence change replaces alanine, which is neutral and non-polar, with threonine, which is neutral and polar, at codon 383 of the ACAD8 protein (p.Ala383Thr).

Illumina Laboratory Services, Illumina
Classification: Uncertain significance for Deficiency of isobutyryl-CoA dehydrogenase. Last evaluated: 2017-04-27. Review status: criteria provided, single submitter. Criteria: ICSL Variant Classification Criteria 13 December 2019. Collection method: clinical testing. Allele origin: germline.